The following is an entry in ClinVar:

NM_001458.5(FLNC):c.6320_6331del (p.Thr2107_Ile2110del)

Genes: FLNC (filamin C; plus strand), FLNC-AS1 (FLNC antisense RNA 1; minus strand). Cytogenetic location: 7q32.1.
Variant type: Deletion.
Coding change: c.6320_6331del on transcript NM_001458.5 (MANE Select); coding-DNA positions 6320 to 6331, 12 bases deleted (CCTACATCATCA).
Protein change: p.Thr2107_Ile2110del.
Molecular consequence: inframe deletion.
Genome position (GRCh38, 1-based): chr7:128,853,580-128,853,591, CCTACATCATCA deleted; deleting any 12 consecutive bases within chr7:128,853,578-128,853,591 gives the same sequence; the c. name uses the placement nearest the transcript's 3' end. VCF-style (leftmost placement, unchanged base first): chr7-128853577-GCACCTACATCAT-G. GRCh37 (hg19) VCF-style: chr7-128493631-GCACCTACATCAT-G.
Other names: c.6221_6232del, p.Thr2074_Ile2077del (NM_001127487.2).
Identifiers: ClinVar variation 4884116 (VCV004884116.2).

ClinVar aggregate classification (germline): Uncertain significance (1 of 4 stars; one submission).

Submission:

Dasa
Classification: Uncertain significance. Last evaluated: 2025-05-23. Review status: criteria provided, single submitter. Criteria: DASA Assertion Criteria. Collection method: clinical testing. Allele origin: germline.
Comment: NM_001458.5(FLNC):c.6320_6331del (p.Thr2107_Ile2110del) is an in-frame deletion predicted to remove amino acids from threonine at protein position 2107 through isoleucine at protein position 2110 without shifting the reading frame. This variant is absent from population databases. The currently available literature and clinical evidence are not sufficient to establish a definitive association between this variant and the reported condition. Therefore, this variant is classified as a variant of uncertain significance.